The following is an entry in ClinVar:

NM_152393.4(KLHL40):c.1058G>A (p.Ser353Asn)

Gene: KLHL40 (kelch like family member 40; plus strand). Cytogenetic location: 3p22.1.
Variant type: single nucleotide variant.
Coding change: c.1058G>A on transcript NM_152393.4 (MANE Select); coding-DNA position 1058, G replaced by A.
Protein change: p.Ser353Asn; replaces serine 353 with asparagine.
Molecular consequence: missense variant.
Genome position (GRCh38, 1-based): chr3:42,686,676, G>A. VCF-style: chr3-42686676-G-A. GRCh37 (hg19) VCF-style: chr3-42728168-G-A.
Other names: short protein forms S353N.
Identifiers: ClinVar variation 450193 (VCV000450193.2), dbSNP rs1553680474, ClinGen allele CA352292382.

ClinVar aggregate classification (germline): Uncertain significance (1 of 4 stars; one submission).

Submission:

GeneDx
Classification: Uncertain significance. Last evaluated: 2017-07-05. Review status: criteria provided, single submitter. Criteria: GeneDx Variant Classification (06012015). Collection method: clinical testing. Allele origin: germline. Affected: yes.
Comment: The S353N variant has not been published as a pathogenic variant, nor has it been reported as a benign variant to our knowledge. The S353N variant is not observed in large population cohorts (Lek et al., 2016; 1000 Genomes Consortium et al., 2015; Exome Variant Server). This variant is a conservative amino acid substitution, which is not likely to impact secondary protein structure as these residues share similar properties. However, this substitution occurs at a position that is conserved across species, and in silico analysis is inconsistent in its predictions as to whether or not the variant is damaging to the protein structure/function.